The following is an entry in ClinVar:

NM_003384.3(VRK1):c.1117A>G (p.Thr373Ala)

Gene: VRK1 (VRK serine/threonine kinase 1; plus strand). Cytogenetic location: 14q32.2.
Variant type: single nucleotide variant.
Coding change: c.1117A>G on transcript NM_003384.3 (MANE Select); coding-DNA position 1117, A replaced by G.
Protein change: p.Thr373Ala; replaces threonine 373 with alanine.
Molecular consequence: missense variant.
Genome position (GRCh38, 1-based): chr14:96,876,078, A>G. VCF-style: chr14-96876078-A-G. GRCh37 (hg19) VCF-style: chr14-97342415-A-G.
Other names: short protein forms T373A.
Identifiers: ClinVar variation 1481950 (VCV001481950.4), dbSNP rs199759408, ClinGen allele CA7339188.
Genomic context (GRCh38, chr14:96,876,078, plus strand): 5'-TTTATATGTAAGAAGCGAAAGAAAGAAATTGAAGAAAGCAAGGAACCTGGTGTTGAAGAT[A>G]CGGAATGGTCAAACACACAGACAGAGGAGGCCATACAGACCCGTAAGTTGAACAGTTTTG-3'
Protein context (NP_003375.1, residues 363-383): EESKEPGVED[Thr373Ala]EWSNTQTEEA

ClinVar aggregate classification (germline): Uncertain significance (1 of 4 stars; one submission).

Conditions:
Pontocerebellar hypoplasia type 1A (PCH1A). Also called: PONTOCEREBELLAR HYPOPLASIA WITH ANTERIOR HORN CELL DISEASE; PONTOCEREBELLAR HYPOPLASIA WITH INFANTILE SPINAL MUSCULAR ATROPHY. Identifiers: Orphanet 2254, Orphanet 88616, MedGen C1843504, MONDO:0011866, OMIM 607596.

Allele frequency attached by ClinVar (database versions not stated): ExAC 0.00001; gnomAD 0.00003; ESP Exome Variant Server 0.00015.
gnomAD v4.1: 8 of 1,613,610 alleles (0.0005%); highest among the groups gnomAD compares: African/African-American, 0.008%; no homozygotes.

Submission:

Labcorp Genetics (formerly Invitae), Labcorp
Classification: Uncertain significance for Pontocerebellar hypoplasia type 1A. Last evaluated: 2021-10-21. Review status: criteria provided, single submitter. Criteria: Invitae Variant Classification Sherloc (09022015). Collection method: clinical testing. Allele origin: germline.
Comment: This sequence change replaces threonine with alanine at codon 373 of the VRK1 protein (p.Thr373Ala). The threonine residue is weakly conserved and there is a small physicochemical difference between threonine and alanine. This variant is present in population databases (rs199759408, ExAC 0.01%). This variant has not been reported in the literature in individuals with VRK1-related conditions. Algorithms developed to predict the effect of missense changes on protein structure and function (SIFT, PolyPhen-2, Align-GVGD) all suggest that this variant is likely to be tolerated, but these predictions have not been confirmed by published functional studies and their clinical significance is uncertain. In summary, the available evidence is currently insufficient to determine the role of this variant in disease. Therefore, it has been classified as a Variant of Uncertain Significance.